The following is an entry in ClinVar:

ClinVar aggregate classification (germline): Likely benign. Review status: criteria provided, multiple submitters, no conflicts (2 of 4 stars). 2 submissions from 2 submitters: Likely benign (2). Last evaluated 2022-07-14.

Allele frequency attached by ClinVar (database versions not stated): gnomAD 0.00001; gnomAD exomes 0.00001; TOPMed 0.00001; ExAC 0.00002.
gnomAD v4.1: 12 of 1,613,730 alleles (0.00074%); highest among the groups gnomAD compares: African/African-American, 0.0027%; no homozygotes.

Submissions (2):

Blueprint Genetics
Classification: Likely benign. Last evaluated: 2022-07-14. Review status: criteria provided, single submitter. Criteria: ACMG Guidelines, 2015. Collection method: clinical testing. Allele origin: germline.

CeGaT Center for Human Genetics Tuebingen
Classification: Likely benign. Last evaluated: 2022-03-01. Review status: criteria provided, single submitter. Criteria: CeGaT Center For Human Genetics Tuebingen Variant Classification Criteria Version 2. Collection method: clinical testing. Allele origin: germline. Affected: yes. Observed: 1 variant allele.
Comment: NBEA: BP4, BP7

NM_001385012.1(NBEA):c.8562C>T (p.Ser2854=)

Gene: NBEA (neurobeachin; plus strand). Cytogenetic location: 13q13.3.
Variant type: single nucleotide variant.
Coding change: c.8562C>T on transcript NM_001385012.1 (MANE Select); coding-DNA position 8562, C replaced by T.
Protein change: p.Ser2854=; no amino-acid change (serine 2854 retained).
Molecular consequence: synonymous variant.
Genome position (GRCh38, 1-based): chr13:35,667,471, C>T. VCF-style: chr13-35667471-C-T. GRCh37 (hg19) VCF-style: chr13-36241608-C-T.
Other names: c.1878C>T, p.Ser626= (NM_001204197.3); c.8553C>T, p.Ser2851= (NM_001379245.1); c.8499C>T, p.Ser2833= (NM_015678.5).
Identifiers: ClinVar variation 2643768 (VCV002643768.25), dbSNP rs770305071, ClinGen allele CA6948000.